The following is an entry in ClinVar:

NM_022343.4(GLIPR2):c.13+49C>T

Genes: GLIPR2 (GLI pathogenesis related 2; plus strand), LOC130001744 (ATAC-STARR-seq lymphoblastoid silent region 19888; plus strand). Cytogenetic location: 9p13.3.
Variant type: single nucleotide variant.
Coding change: c.13+49C>T on transcript NM_022343.4 (MANE Select); 49 bases into the intron after coding-DNA position 13, C replaced by T.
Molecular consequence: intron variant. On other transcripts: synonymous variant (2).
Genome position (GRCh38, 1-based): chr9:36,136,840, C>T. VCF-style: chr9-36136840-C-T. GRCh37 (hg19) VCF-style: chr9-36136837-C-T.
Other names: c.21C>T, p.Leu7= (NM_001287013.2, NM_001287014.2); c.13+49C>T (NM_001287011.2, NM_001287010.2, NM_001287012.2).
Identifiers: ClinVar variation 2659190 (VCV002659190.24), dbSNP rs747617207, ClinGen allele CA5055502.

ClinVar aggregate classification (germline): Likely benign (1 of 4 stars; one submission).

Allele frequency attached by ClinVar (database versions not stated): TOPMed 0.00036.
gnomAD v4.1: 213 of 1,263,772 alleles (0.017%); highest among the groups gnomAD compares: Admixed American, 0.08%; 1 homozygote.

Submission:

CeGaT Center for Human Genetics Tuebingen
Classification: Likely benign. Last evaluated: 2023-03-01. Review status: criteria provided, single submitter. Criteria: CeGaT Center For Human Genetics Tuebingen Variant Classification Criteria Version 2. Collection method: clinical testing. Allele origin: germline. Affected: yes. Observed: 1 variant allele.
Comment: GLIPR2: BP4, BP7